The following is an entry in ClinVar:

NM_001308093.3(GATA4):c.1070G>T (p.Ser357Ile)

Gene: GATA4 (GATA binding protein 4). Cytogenetic location: 8p23.1.
Variant type: single nucleotide variant.
Coding change: c.1070G>T on transcript NM_001308093.3 (MANE Select); coding-DNA position 1070, G replaced by T.
Protein change: p.Ser357Ile; replaces serine 357 with isoleucine.
Molecular consequence: missense variant.
Genome position (GRCh38, 1-based): chr8:11,757,004, G>T. VCF-style: chr8-11757004-G-T. GRCh37 (hg19) VCF-style: chr8-11614513-G-T.
Other names: c.449G>T, p.Ser150Ile (NM_001308094.2, NM_001374273.1); c.323G>T, p.Ser108Ile (NM_001374274.1); c.1067G>T, p.Ser356Ile (NM_002052.5); short protein forms S108I, S150I, S356I, S357I.
Identifiers: ClinVar variation 1328354 (VCV001328354.9), dbSNP rs1014543362, ClinGen allele CA172120394.

ClinVar aggregate classification (germline): Uncertain significance. Review status: criteria provided, multiple submitters, no conflicts (2 of 4 stars). 5 submissions from 5 submitters: Uncertain significance (3). 2 of the submissions do not count toward it. Last evaluated 2026-01-21.

Conditions:
Cardiovascular phenotype. Identifiers: MedGen CN230736.
Atrioventricular septal defect 4 (AVSD4). Identifiers: MedGen C3280781, MONDO:0013747, OMIM 614430.

Allele frequency attached by ClinVar (database versions not stated): gnomAD exomes 0.00001 and 0.00004; TOPMed 0.00002; gnomAD 0.00002.
gnomAD v4.1: 67 of 1,614,126 alleles (0.0042%); highest among the groups gnomAD compares: Non-Finnish European, 0.0054%; no homozygotes.

Submissions (5):

Labcorp Genetics (formerly Invitae), Labcorp
Classification: Uncertain significance for Atrioventricular septal defect 4. Last evaluated: 2026-01-21. Review status: criteria provided, single submitter. Criteria: Invitae Variant Classification Sherloc (09022015). Collection method: clinical testing. Allele origin: germline.
Comment: This sequence change replaces serine, which is neutral and polar, with isoleucine, which is neutral and non-polar, at codon 356 of the GATA4 protein (p.Ser356Ile). This variant is present in population databases (no rsID available, gnomAD 0.004%). This variant has not been reported in the literature in individuals affected with GATA4-related conditions. ClinVar contains an entry for this variant (Variation ID: 1328354). Invitae Evidence Modeling of protein sequence and biophysical properties (such as structural, functional, and spatial information, amino acid conservation, physicochemical variation, residue mobility, and thermodynamic stability) indicates that this missense variant is not expected to disrupt GATA4 protein function with a negative predictive value of 95%. In summary, the available evidence is currently insufficient to determine the role of this variant in disease. Therefore, it has been classified as a Variant of Uncertain Significance.

Ambry Genetics
Classification: Uncertain significance for Cardiovascular phenotype. Last evaluated: 2024-09-14. Review status: criteria provided, single submitter. Criteria: Ambry Variant Classification Scheme 2023. Collection method: clinical testing. Allele origin: germline.
Comment: The p.S356I variant (also known as c.1067G>T), located in coding exon 5 of the GATA4 gene, results from a G to T substitution at nucleotide position 1067. The serine at codon 356 is replaced by isoleucine, an amino acid with dissimilar properties. This amino acid position is conserved. In addition, the in silico prediction for this alteration is inconclusive. Since supporting evidence is limited at this time, the clinical significance of this alteration remains unclear.

GeneDx
Classification: Uncertain significance. Last evaluated: 2022-11-03. Review status: criteria provided, single submitter. Criteria: GeneDx Variant Classification Process June 2021. Collection method: clinical testing. Allele origin: germline. Affected: yes.
Comment: Not observed at significant frequency in large population cohorts (gnomAD); In silico analysis supports that this missense variant does not alter protein structure/function; Has not been previously published as pathogenic or benign to our knowledge

Clinical Genetics DNA and cytogenetics Diagnostics Lab, Erasmus MC, Erasmus Medical Center
Classification: Likely benign. Review status: no assertion criteria provided. Collection method: clinical testing. Allele origin: germline. Affected: yes. Study: VKGL Data-share Consensus. Not counted in ClinVar's aggregate classification.

Laboratory of Diagnostic Genome Analysis, Leiden University Medical Center (LUMC)
Classification: Likely benign. Review status: no assertion criteria provided. Collection method: clinical testing. Allele origin: germline. Affected: yes. Study: VKGL Data-share Consensus. Not counted in ClinVar's aggregate classification.